The following is an entry in ClinVar:

NM_007294.4(BRCA1):c.1849dup (p.Thr617fs)

Gene: BRCA1 (BRCA1 DNA repair associated; minus strand). Cytogenetic location: 17q21.31.
Variant type: Duplication.
Coding change: c.1849dup on transcript NM_007294.4 (MANE Select); coding-DNA position 1849, one base duplicated (A; older notation c.1849dupA).
Protein change: p.Thr617fs; shifts the reading frame from threonine 617.
Molecular consequence: frameshift variant. On other transcripts: intron variant (137).
Genome position (GRCh38, 1-based): chr17:43,093,682, T duplicated on the plus strand (A on the coding strand, the reverse complement: BRCA1 is on the minus strand). VCF-style (leftmost placement, unchanged base first): chr17-43093681-G-GT. GRCh37 (hg19) VCF-style: chr17-41245698-G-GT.
Other names: c.1846dup, p.Thr616fs (NM_001407591.1, NM_001407610.1, NM_001407587.1 and 22 more transcripts); c.1849dup, p.Thr617fs (NM_001407593.1, NM_001407594.1, NM_001407596.1 and 30 more transcripts); c.1639dup, p.Thr547fs (NM_001407906.1, NM_001407907.1, NM_001407908.1 and 13 more transcripts); c.1636dup, p.Thr546fs (NM_001407915.1, NM_001407916.1, NM_001407917.1 and 9 more transcripts); c.1726dup, p.Thr576fs (NM_001407919.1, NM_001407648.1, NM_001407664.1 and 19 more transcripts); c.1585dup, p.Thr529fs (NM_001407920.1, NM_001407921.1, NM_001407922.1 and 9 more transcripts); c.1582dup, p.Thr528fs (NM_001407930.1, NM_001407931.1, NM_001407932.1 and 2 more transcripts); c.1513dup, p.Thr505fs (NM_001407954.1, NM_001407955.1, NM_001407956.1 and 1 more transcripts); and 40 more; short protein forms T321fs, T449fs, T489fs, T490fs, T505fs, T506fs, T528fs, T529fs.
Identifiers: ClinVar variation 4852680 (VCV004852680.2).
Genomic context (GRCh38, chr17:43,093,681, plus strand): 5'-GTACAATTAGGTGGGCTTAGATTTCTACTGACTACTAGTTCAAGCGCATGAATATGCCTG[G>GT]TAGAAGACTTCCTCCTCAGCCTATTCTTTTTAGGTGCTTTTGAATTGTGGATATTTAATT-3'

ClinVar aggregate classification (germline): Pathogenic (1 of 4 stars; one submission).

Conditions:
Breast-ovarian cancer, familial, susceptibility to, 1 (BROVCA1). Also called: OVARIAN CANCER, SUSCEPTIBILITY TO; BRCA1 Hereditary Breast and Ovarian Cancer. Identifiers: Orphanet 145, MedGen C2676676, MONDO:0011450, OMIM 604370. Disease mechanism: loss of function.

Submission:

Dasa
Classification: Pathogenic for Breast-ovarian cancer, familial, susceptibility to, 1. Last evaluated: 2026-02-04. Review status: criteria provided, single submitter. Criteria: DASA Assertion Criteria. Collection method: clinical testing. Allele origin: germline.
Comment: NM_007294.4(BRCA1):c.1849dup (p.Thr617Asnfs*8) is a frameshift variant in BRCA1 predicted to alter the reading frame and introduce a premature termination codon and is predicted to result in an absent or altered protein product. Loss of function is an established disease mechanism for BRCA1 (PMID: 32375709; PMID: 21989022; PMID: 11802209). The affected residue or protein region has prior evidence supporting clinical relevance. Also, this variant is rare in population databases. Based on the currently available evidence, this variant is classified as pathogenic.

Literature cited by the submitters: PubMed 32375709; PubMed 21989022; PubMed 11802209.